The following is an entry in ClinVar:

NM_005422.4(TECTA):c.4075G>T (p.Val1359Leu)

Genes: TBCEL-TECTA (TBCEL-TECTA readthrough; plus strand), TECTA (tectorin alpha; plus strand). Cytogenetic location: 11q23.3.
Variant type: single nucleotide variant.
Coding change: c.4075G>T on transcript NM_005422.4 (MANE Select); coding-DNA position 4075, G replaced by T.
Protein change: p.Val1359Leu; replaces valine 1359 with leucine.
Molecular consequence: missense variant.
Genome position (GRCh38, 1-based): chr11:121,146,086, G>T. VCF-style: chr11-121146086-G-T. GRCh37 (hg19) VCF-style: chr11-121016795-G-T.
Other names: c.5032G>T, p.Val1678Leu (NM_001378761.1); short protein forms V1359L, V1678L.
Identifiers: ClinVar variation 1306273 (VCV001306273.2), dbSNP rs2135106916, ClinGen allele CA383023214.
Genomic context (GRCh38, chr11:121,146,086, plus strand): 5'-CAGACCGCCTGCAGCTGGCTGCAGAACTACGCCAGCACCTGCCAGACTCAGGGGATTACG[G>T]TGACTGGCTGGAGGAATTACACGTCCTGCAGTGAGTCCTTCTCGTTGTCCCTCCTTGTAG-3'
Protein context (NP_005413.2, residues 1349-1369): ASTCQTQGIT[Val1359Leu]TGWRNYTSCT

ClinVar aggregate classification (germline): Uncertain significance (1 of 4 stars; one submission).

Submission:

GeneDx
Classification: Uncertain significance. Last evaluated: 2019-06-05. Review status: criteria provided, single submitter. Criteria: GeneDx Variant Classification Process June 2021. Collection method: clinical testing. Allele origin: germline. Affected: yes.
Comment: Not observed in large population cohorts (Lek et al., 2016); In silico analysis, which includes protein predictors and evolutionary conservation, supports that this variant does not alter protein structure/function; Has not been previously published as pathogenic or benign to our knowledge